The following is an entry in ClinVar:

NM_020911.2(PLXNA4):c.3938C>T (p.Pro1313Leu)

Gene: PLXNA4 (plexin A4; minus strand). Cytogenetic location: 7q32.3.
Variant type: single nucleotide variant.
Coding change: c.3938C>T on transcript NM_020911.2 (MANE Select); coding-DNA position 3938, C replaced by T.
Protein change: p.Pro1313Leu; replaces proline 1313 with leucine.
Molecular consequence: missense variant.
Genome position (GRCh38, 1-based): chr7:132,174,857, G>A on the plus strand (C>T on the coding strand, the complement: PLXNA4 is on the minus strand). VCF-style: chr7-132174857-G-A. GRCh37 (hg19) VCF-style: chr7-131859616-G-A.
Other names: c.3938C>T, p.Pro1313Leu (NM_001393897.1); short protein forms P1313L.
Identifiers: ClinVar variation 4999006 (VCV004999006.1).

ClinVar aggregate classification (germline): Uncertain significance (1 of 4 stars; one submission).

Conditions:
PLXNA4-related disorder. Also called: PLXNA4-related condition.

gnomAD v4.1: 2 of 1,614,212 alleles (0.00012%); highest among the groups gnomAD compares: Non-Finnish European, 0.00017%; no homozygotes.

Submission:

PreventionGenetics, part of Exact Sciences
Classification: Uncertain significance for PLXNA4-related condition. Last evaluated: 2024-12-14. Review status: criteria provided, single submitter. Criteria: ACMG Guidelines, 2015. Collection method: clinical testing. Allele origin: germline.
Comment: The PLXNA4 c.3938C>T variant is predicted to result in the amino acid substitution p.Pro1313Leu. To our knowledge, this variant has not been reported in the literature. This variant is reported in 0.00088% of alleles in individuals of European (Non-Finnish) descent in gnomAD. At this time, the clinical significance of this variant is uncertain due to the absence of conclusive functional and genetic evidence.